The following is an entry in ClinVar:

NM_000138.5(FBN1):c.7788C>A (p.Tyr2596Ter)

Gene: FBN1 (fibrillin 1; minus strand). Cytogenetic location: 15q21.1.
Variant type: single nucleotide variant.
Coding change: c.7788C>A on transcript NM_000138.5 (MANE Select); coding-DNA position 7788, C replaced by A.
Protein change: p.Tyr2596Ter; replaces tyrosine 2596 with a stop codon.
Molecular consequence: nonsense.
Genome position (GRCh38, 1-based): chr15:48,420,718, G>T on the plus strand (C>A on the coding strand, the complement: FBN1 is on the minus strand). VCF-style: chr15-48420718-G-T. GRCh37 (hg19) VCF-style: chr15-48712915-G-T.
Other names: short protein forms Y2596*.
Identifiers: ClinVar variation 517133 (VCV000517133.6), dbSNP rs1555394142, ClinGen allele CA392324548.

ClinVar aggregate classification (germline): Pathogenic. Review status: criteria provided, multiple submitters, no conflicts (2 of 4 stars). 3 submissions from 3 submitters: Pathogenic (2). 1 of the submissions does not count toward it. Last evaluated 2024-04-29.

Conditions:
Familial thoracic aortic aneurysm and aortic dissection (TAAD). Also called: Thoracic aortic aneurysms and dissections. Identifiers: Orphanet 91387, MedGen C4707243, MONDO:0019625.
Marfan syndrome (MFS). Also called: Marfan syndrome type 1; Marfan syndrome, classic; Marfan's syndrome; FBN1-Related Marfan Syndrome; MARFAN SYNDROME, TYPE I. Identifiers: Orphanet 284963, Orphanet 558, MedGen C0024796, MONDO:0007947, OMIM 154700.

Submissions (3):

Labcorp Genetics (formerly Invitae), Labcorp
Classification: Pathogenic for Marfan syndrome; Familial thoracic aortic aneurysm and aortic dissection. Last evaluated: 2024-04-29. Review status: criteria provided, single submitter. Criteria: Invitae Variant Classification Sherloc (09022015). Collection method: clinical testing. Allele origin: germline.
Comment: This sequence change creates a premature translational stop signal (p.Tyr2596*) in the FBN1 gene. It is expected to result in an absent or disrupted protein product. Loss-of-function variants in FBN1 are known to be pathogenic (PMID: 17657824, 19293843). This variant is not present in population databases (gnomAD no frequency). This premature translational stop signal has been observed in individual(s) with clinical features of FBN1-related conditions (PMID: 29543232). ClinVar contains an entry for this variant (Variation ID: 517133). Algorithms developed to predict the effect of sequence changes on RNA splicing suggest that this variant may disrupt the consensus splice site. For these reasons, this variant has been classified as Pathogenic.

Ambry Genetics
Classification: Pathogenic for Familial thoracic aortic aneurysm and aortic dissection. Last evaluated: 2020-01-03. Review status: criteria provided, single submitter. Criteria: Ambry Variant Classification Scheme 2023. Collection method: clinical testing. Allele origin: germline.
Comment: The p.Y2596* pathogenic mutation (also known as c.7788C>A), located in coding exon 62 of the FBN1 gene, results from a C to A substitution at nucleotide position 7788. This changes the amino acid from a tyrosine to a stop codon within coding exon 62. This variant has been detected in an individual with aortic aneurysm (Weerakkody R et al. Genet. Med., 2018 11;20:1414-1422). This alteration is expected to result in loss of function by premature protein truncation or nonsense-mediated mRNA decay. As such, this alteration is interpreted as a disease-causing mutation.

Centre for Genomic and Experimental Medicine, University of Edinburgh
Classification: Likely pathogenic for Familial thoracic aortic aneurysm and aortic dissection. Review status: no assertion criteria provided. Collection method: research. Allele origin: unknown. Affected: yes. Not counted in ClinVar's aggregate classification.

Literature cited by the submitters: PubMed 17657824 (cited by Labcorp Genetics (formerly Invitae), Labcorp); PubMed 19293843 (cited by Labcorp Genetics (formerly Invitae), Labcorp); PubMed 29543232 (cited by Labcorp Genetics (formerly Invitae), Labcorp and Ambry Genetics).